The following is an entry in ClinVar:

ClinVar aggregate classification (germline): Likely benign. Review status: criteria provided, multiple submitters, no conflicts (2 of 4 stars). 4 submissions from 4 submitters: Likely benign (4). Last evaluated 2025-08-29.

Conditions:
Developmental and epileptic encephalopathy, 64. Also called: EPILEPTIC ENCEPHALOPATHY, EARLY INFANTILE, 64. Identifiers: MedGen C4693899, MONDO:0033373, OMIM 618004.
RHOBTB2-related disorder. Also called: RHOBTB2-related condition.

Allele frequency attached by ClinVar (database versions not stated): gnomAD exomes 0.00004 and 0.00008; ExAC 0.00006; ESP Exome Variant Server 0.00008; 1000 Genomes Project 0.00020; 1000 Genomes Project 30x 0.00031.
gnomAD v4.1: 128 of 1,614,088 alleles (0.0079%); highest among the groups gnomAD compares: Middle Eastern, 0.033%; no homozygotes.

Submissions (4):

Labcorp Genetics (formerly Invitae), Labcorp
Classification: Likely benign. Last evaluated: 2025-08-29. Review status: criteria provided, single submitter. Criteria: Invitae Variant Classification Sherloc (09022015). Collection method: clinical testing. Allele origin: germline.

PreventionGenetics, part of Exact Sciences
Classification: Likely benign for RHOBTB2-related condition. Last evaluated: 2024-10-03. Review status: criteria provided, single submitter. Criteria: ACMG Guidelines, 2015. Collection method: clinical testing. Allele origin: germline.
Comment: This variant is classified as likely benign based on ACMG/AMP sequence variant interpretation guidelines (Richards et al. 2015 PMID: 25741868, with internal and published modifications).

Blueprint Genetics
Classification: Likely benign. Last evaluated: 2023-08-11. Review status: criteria provided, single submitter. Criteria: ACMG Guidelines, 2015. Collection method: clinical testing. Allele origin: germline.

Breakthrough Genomics
Classification: Likely benign. Review status: criteria provided, single submitter. Criteria: ACMG Guidelines, 2015. Collection method: not provided. Allele origin: germline. Inheritance: Autosomal dominant inheritance. Affected: yes.

NM_015178.3(RHOBTB2):c.1681G>A (p.Gly561Ser)

Gene: RHOBTB2 (Rho related BTB domain containing 2; plus strand). Cytogenetic location: 8p21.3.
Variant type: single nucleotide variant.
Coding change: c.1681G>A on transcript NM_015178.3 (MANE Select); coding-DNA position 1681, G replaced by A.
Protein change: p.Gly561Ser; replaces glycine 561 with serine.
Molecular consequence: missense variant.
Genome position (GRCh38, 1-based): chr8:23,010,598, G>A. VCF-style: chr8-23010598-G-A. GRCh37 (hg19) VCF-style: chr8-22868111-G-A.
Other names: c.1747G>A (NM_001160036.1); c.1747G>A, p.Gly583Ser (NM_001160036.2); c.1702G>A, p.Gly568Ser (NM_001160037.2); c.1681G>A, p.Gly561Ser (NM_001374791.1); short protein forms G561S, G568S, G583S.
Identifiers: ClinVar variation 1574728 (VCV001574728.14), dbSNP rs372306607, ClinGen allele CA4672735.